The following is an entry in ClinVar:

NM_080680.3(COL11A2):c.1399G>A (p.Val467Met)

Gene: COL11A2 (collagen type XI alpha 2 chain; minus strand). Cytogenetic location: 6p21.32.
Variant type: single nucleotide variant.
Coding change: c.1399G>A on transcript NM_080680.3 (MANE Select); coding-DNA position 1399, G replaced by A.
Protein change: p.Val467Met; replaces valine 467 with methionine.
Molecular consequence: missense variant.
Genome position (GRCh38, 1-based): chr6:33,179,766, C>T on the plus strand (G>A on the coding strand, the complement: COL11A2 is on the minus strand). VCF-style: chr6-33179766-C-T. GRCh37 (hg19) VCF-style: chr6-33147543-C-T.
Other names: c.1399G>A (NM_080680.2); c.1078G>A, p.Val360Met (NM_080679.3); c.1141G>A, p.Val381Met (NM_080681.3); short protein forms V467M, V381M, V360M.
Identifiers: ClinVar variation 1375471 (VCV001375471.9), dbSNP rs755731113, ClinGen allele CA137051911.
Genomic context (GRCh38, chr6:33,179,766, plus strand): 5'-CAGCCCCACTCACCCTCGCCTGCTGCAGGATCGCCTGGGCCTGAGCCTCCTGGGCCGCCA[C>T]CACAGGGCCCTTGTCACCCCCACCACTGCCAAACCGGAACTGAGGTCAAGGAGAGAAGGT-3'
Protein context (NP_542411.2, residues 457-477): GSGGGDKGPV[Val467Met]AAQEAQAQAI

ClinVar aggregate classification (germline): Conflicting classifications of pathogenicity. Review status: criteria provided, conflicting classifications (1 of 4 stars). 3 submissions from 3 submitters: Uncertain significance (2); Likely benign (1). Last evaluated 2025-05-26.

Conditions:
Fibrochondrogenesis 2 (FBCG2). Identifiers: Orphanet 2021, MedGen C3281128, MONDO:0013795, OMIM 614524.
Otospondylomegaepiphyseal dysplasia, autosomal recessive (OSMEDB). Also called: Insley-Astley syndrome; CHONDRODYSTROPHY WITH SENSORINEURAL DEAFNESS. Identifiers: Orphanet 1427, MedGen CN034493, MONDO:0044206, OMIM 215150.
Autosomal recessive nonsyndromic hearing loss 53. Identifiers: Orphanet 90636, MedGen C1864746, MONDO:0012333, OMIM 609706.
Autosomal dominant nonsyndromic hearing loss 13. Identifiers: Orphanet 90635, MedGen C1866095, MONDO:0011159, OMIM 601868.
Otospondylomegaepiphyseal dysplasia, autosomal dominant (OSMEDA). Also called: COL11A2-Related Stickler Syndrome; Stickler syndrome, type 3; Pierre Robin syndrome with fetal chondrodysplasia. Identifiers: Orphanet 166100, Orphanet 3450, MedGen C1848488, MONDO:0008490, OMIM 184840.

Allele frequency attached by ClinVar (database versions not stated): gnomAD 0.00001; gnomAD exomes 0.00002 and 0.00004; TOPMed 0.00002.
gnomAD v4.1: 36 of 1,611,998 alleles (0.0022%); highest among the groups gnomAD compares: Admixed American, 0.02%; no homozygotes.

Submissions (3):

Labcorp Genetics (formerly Invitae), Labcorp
Classification: Likely benign. Last evaluated: 2025-05-26. Review status: criteria provided, single submitter. Criteria: Invitae Variant Classification Sherloc (09022015). Collection method: clinical testing. Allele origin: germline.

GeneDx
Classification: Uncertain significance. Last evaluated: 2024-05-13. Review status: criteria provided, single submitter. Criteria: GeneDx Variant Classification Process June 2021. Collection method: clinical testing. Allele origin: germline. Affected: yes.
Comment: In silico analysis indicates that this missense variant does not alter protein structure/function; Has not been previously published as pathogenic or benign to our knowledge

Fulgent Genetics
Classification: Uncertain significance for Otospondylomegaepiphyseal dysplasia, autosomal dominant; Otospondylomegaepiphyseal dysplasia, autosomal recessive; Autosomal dominant nonsyndromic hearing loss 13; Autosomal recessive nonsyndromic hearing loss 53; Fibrochondrogenesis 2. Last evaluated: 2024-02-21. Review status: criteria provided, single submitter. Criteria: ACMG Guidelines, 2015. Collection method: clinical testing. Allele origin: germline.